The following is an entry in ClinVar:

NM_001376.5(DYNC1H1):c.9754AAG[2] (p.Lys3254del)

Gene: DYNC1H1 (dynein cytoplasmic 1 heavy chain 1; plus strand). Cytogenetic location: 14q32.31.
Variant type: Microsatellite.
Coding change: c.9754AAG[2] on transcript NM_001376.5 (MANE Select); two copies in a row of the 3-base unit AAG starting at c.9754; the reference has three copies in a row; one copy, 3 bases deleted; also written c.9760_9762del.
Protein change: p.Lys3254del; deletes lysine 3254.
Molecular consequence: inframe deletion.
Genome position (GRCh38, 1-based): chr14:102,029,936-102,029,938, AAG deleted; deleting any 3 consecutive bases within chr14:102,029,930-102,029,938 gives the same sequence; the position shown is the placement nearest the transcript's 3' end. VCF-style (leftmost placement, unchanged base first): chr14-102029929-AAAG-A. GRCh37 (hg19) VCF-style: chr14-102496266-AAAG-A.
Other names: c.9760_9762del (NM_001376.4, NM_001376.5); short protein forms K3254del.
Identifiers: ClinVar variation 208734 (VCV000208734.51), dbSNP rs797044918, ClinGen allele CA204787.

ClinVar aggregate classification (germline): Pathogenic/Likely pathogenic. Review status: criteria provided, multiple submitters, no conflicts (2 of 4 stars). 5 submissions from 5 submitters: Pathogenic (4); Likely pathogenic (1). Last evaluated 2024-08-13.

Conditions:
Inborn genetic diseases. Identifiers: MedGen C0950123, MeSH D030342.
Cortical dysplasia, complex, with other brain malformations 13. Also called: Intellectual disability, autosomal dominant 13. Identifiers: MedGen C3281202, MONDO:0013805, OMIM 614563.
Charcot-Marie-Tooth disease axonal type 2O. Also called: Charcot-Marie-Tooth disease, axonal, type 20; CHARCOT-MARIE-TOOTH NEUROPATHY, AXONAL, TYPE 2O; CHARCOT-MARIE-TOOTH DISEASE, AXONAL, AUTOSOMAL DOMINANT, TYPE 2O; Charcot-Marie-Tooth Neuropathy Type 2O. Identifiers: Orphanet 284232, MedGen C3280220, MONDO:0013644, OMIM 614228.

Submissions (5):

GeneDx
Classification: Pathogenic. Last evaluated: 2024-08-13. Review status: criteria provided, single submitter. Criteria: GeneDx Variant Classification Process June 2021. Collection method: clinical testing. Allele origin: germline. Affected: yes.
Comment: Not observed at significant frequency in large population cohorts (gnomAD); In-frame deletion of 1 amino acids in a non-repeat region; In silico analysis supports a deleterious effect on protein structure/function; This variant is associated with the following publications: (PMID: 25512093, 25609763, 26100331, 25356970)

Labcorp Genetics (formerly Invitae), Labcorp
Classification: Pathogenic for Charcot-Marie-Tooth disease axonal type 2O. Last evaluated: 2023-12-07. Review status: criteria provided, single submitter. Criteria: Invitae Variant Classification Sherloc (09022015). Collection method: clinical testing. Allele origin: germline.
Comment: This variant, c.9760_9762del, results in the deletion of 1 amino acid(s) of the DYNC1H1 protein (p.Lys3254del), but otherwise preserves the integrity of the reading frame. This variant is not present in population databases (gnomAD no frequency). This variant has been observed in individual(s) with DYNC1H1-related conditions (PMID: 25356970; Invitae). In at least one individual the variant was observed to be de novo. For these reasons, this variant has been classified as Pathogenic.

CeGaT Center for Human Genetics Tuebingen
Classification: Likely pathogenic. Last evaluated: 2023-01-01. Review status: criteria provided, single submitter. Criteria: CeGaT Center For Human Genetics Tuebingen Variant Classification Criteria Version 2. Collection method: clinical testing. Allele origin: germline. Affected: yes. Observed: 3 variant alleles.
Comment: DYNC1H1: PM2, PM4, PS2:Moderate, PS4:Moderate

3billion
Classification: Pathogenic for Cortical dysplasia, complex, with other brain malformations 13. Last evaluated: 2022-01-03. Review status: criteria provided, single submitter. Criteria: ACMG Guidelines, 2015. Collection method: clinical testing. Allele origin: germline. Affected: yes. Observed: 1 heterozygote.
Comment: This inframe deletion in the non-repeat region can change the length of the protein and disrupt protein function (PM4_M). The variant has been previously reported as de novo in a similarly affected individual (PMID: 25356970, PS2_S). The variant has been reported at least twice as pathogenic/likely pathogenic without evidence for the classification (ClinVar ID: VCV000208734) It is not observed in the gnomAD v2.1.1 dataset (PM2_M). Therefore, this variant is classified as pathogenic according to the recommendation of ACMG/AMP guideline.

Ambry Genetics
Classification: Pathogenic for Inborn genetic diseases. Last evaluated: 2014-04-10. Review status: criteria provided, single submitter. Criteria: Ambry Autosomal Dominant and X-Linked criteria (10/2015). Collection method: clinical testing. Allele origin: germline. Observed: 1 variant allele.

Literature cited by the submitters: PubMed 25356970 (cited by Labcorp Genetics (formerly Invitae), Labcorp and 3billion).